The following is an entry in ClinVar:

NM_000484.4(APP):c.1288G>A (p.Ala430Thr)

Gene: APP (amyloid beta precursor protein; minus strand). Cytogenetic location: 21q21.3.
Variant type: single nucleotide variant.
Coding change: c.1288G>A on transcript NM_000484.4 (MANE Select); coding-DNA position 1288, G replaced by A.
Protein change: p.Ala430Thr; replaces alanine 430 with threonine.
Molecular consequence: missense variant.
Genome position (GRCh38, 1-based): chr21:25,975,965, C>T on the plus strand (G>A on the coding strand, the complement: APP is on the minus strand). VCF-style: chr21-25975965-C-T. GRCh37 (hg19) VCF-style: chr21-27348278-C-T.
Other names: c.1216G>A, p.Ala406Thr (NM_001136016.3); c.895G>A, p.Ala299Thr (NM_001136129.3); c.1120G>A, p.Ala374Thr (NM_001136130.3, NM_001385253.1); c.958G>A, p.Ala320Thr (NM_001136131.3); c.1288G>A, p.Ala430Thr (NM_001204301.2); c.1231G>A, p.Ala411Thr (NM_001204302.2, NM_201413.3); c.1063G>A, p.Ala355Thr (NM_001204303.2, NM_201414.3); short protein forms A355T, A374T, A430T, A299T, A320T, A406T, A411T.
Identifiers: ClinVar variation 2044397 (VCV002044397.4), dbSNP rs2516576159, ClinGen allele CA409809784.

ClinVar aggregate classification (germline): Uncertain significance (1 of 4 stars; one submission).

Conditions:
Alzheimer disease. Also called: Presenile and senile dementia; Alzheimer's disease. Identifiers: Orphanet 1020, MedGen C0002395, MeSH D000544, MONDO:0004975, HP:0002511.

Submission:

Labcorp Genetics (formerly Invitae), Labcorp
Classification: Uncertain significance for Alzheimer disease. Last evaluated: 2025-06-24. Review status: criteria provided, single submitter. Criteria: Invitae Variant Classification Sherloc (09022015). Collection method: clinical testing. Allele origin: germline.
Comment: This sequence change replaces alanine, which is neutral and non-polar, with threonine, which is neutral and polar, at codon 430 of the APP protein (p.Ala430Thr). This variant is not present in population databases (gnomAD no frequency). This variant has not been reported in the literature in individuals affected with APP-related conditions. ClinVar contains an entry for this variant (Variation ID: 2044397). Invitae Evidence Modeling of protein sequence and biophysical properties (such as structural, functional, and spatial information, amino acid conservation, physicochemical variation, residue mobility, and thermodynamic stability) indicates that this missense variant is not expected to disrupt APP protein function with a negative predictive value of 95%. In summary, the available evidence is currently insufficient to determine the role of this variant in disease. Therefore, it has been classified as a Variant of Uncertain Significance.